The following is an entry in ClinVar:

NM_024306.5(FA2H):c.795C>T (p.Phe265=)

Gene: FA2H (fatty acid 2-hydroxylase; minus strand). Cytogenetic location: 16q23.1.
Variant type: single nucleotide variant.
Coding change: c.795C>T on transcript NM_024306.5 (MANE Select); coding-DNA position 795, C replaced by T.
Protein change: p.Phe265=; no amino-acid change (phenylalanine 265 retained).
Molecular consequence: synonymous variant.
Genome position (GRCh38, 1-based): chr16:74,716,591, G>A on the plus strand (C>T on the coding strand, the complement: FA2H is on the minus strand). VCF-style: chr16-74716591-G-A. GRCh37 (hg19) VCF-style: chr16-74750489-G-A.
Identifiers: ClinVar variation 285971 (VCV000285971.6), dbSNP rs886043274, ClinGen allele CA10605321.
Genomic context (GRCh38, chr16:74,716,591, plus strand): 5'-GTAGAAGACGCCGATCACCAGGGAGGCTGGCACAGGGGGGAAGACCAGGCGGGAGCCGTC[G>A]AAGGGTGCCTGCAGATGGAGAGGCTTGGGCATCAGGAGGCAGCCAGGGGCCCCGGCAGCT-3'
Protein context (NP_077282.3, residues 255-275): VMHGQHHKAP[Phe265=]DGSRLVFPPV

ClinVar aggregate classification (germline): Uncertain significance. Review status: criteria provided, multiple submitters, no conflicts (2 of 4 stars). 2 submissions from 2 submitters: Uncertain significance (2). Last evaluated 2022-08-13.

Conditions:
Spastic paraplegia. Identifiers: MedGen C0037772, HP:0001258.

Allele frequency attached by ClinVar (database versions not stated): gnomAD 0.00001; gnomAD exomes 0.00001 and 0.00002; TOPMed 0.00002.
gnomAD v4.1: 30 of 1,562,880 alleles (0.0019%); highest among the groups gnomAD compares: East Asian, 0.0024%; no homozygotes.

Submissions (2):

Labcorp Genetics (formerly Invitae), Labcorp
Classification: Uncertain significance for Spastic paraplegia. Last evaluated: 2022-08-13. Review status: criteria provided, single submitter. Criteria: Invitae Variant Classification Sherloc (09022015). Collection method: clinical testing. Allele origin: germline.
Comment: This sequence change affects codon 265 of the FA2H mRNA. It is a 'silent' change, meaning that it does not change the encoded amino acid sequence of the FA2H protein. The frequency data for this variant in the population databases is considered unreliable, as metrics indicate poor data quality at this position in the gnomAD database. This variant has not been reported in the literature in individuals affected with FA2H-related conditions. ClinVar contains an entry for this variant (Variation ID: 285971). Algorithms developed to predict the effect of sequence changes on RNA splicing suggest that this variant may create or strengthen a splice site. In summary, the available evidence is currently insufficient to determine the role of this variant in disease. Therefore, it has been classified as a Variant of Uncertain Significance.

Eurofins Ntd Llc (ga)
Classification: Uncertain significance. Last evaluated: 2016-02-13. Review status: criteria provided, single submitter. Criteria: EGL Classification Definitions 2015. Collection method: clinical testing. Allele origin: germline. Observed: 1 variant allele, 1 heterozygote.